The following is an entry in ClinVar:

NM_001430.5(EPAS1):c.1559A>G (p.Asp520Gly)

Gene: EPAS1 (endothelial PAS domain protein 1; plus strand). Cytogenetic location: 2p21.
Variant type: single nucleotide variant.
Coding change: c.1559A>G on transcript NM_001430.5 (MANE Select); coding-DNA position 1559, A replaced by G.
Protein change: p.Asp520Gly; replaces aspartic acid 520 with glycine.
Molecular consequence: missense variant.
Genome position (GRCh38, 1-based): chr2:46,380,231, A>G. VCF-style: chr2-46380231-A-G. GRCh37 (hg19) VCF-style: chr2-46607370-A-G.
Other names: short protein forms D520G.
Identifiers: ClinVar variation 3508906 (VCV003508906.1).

ClinVar aggregate classification (germline): Uncertain significance (1 of 4 stars; one submission).

Conditions:
Inborn genetic diseases. Identifiers: MedGen C0950123, MeSH D030342.

gnomAD v4.1: 2 of 1,611,098 alleles (0.00012%); highest among the groups gnomAD compares: Non-Finnish European, 0.00017%; no homozygotes.

Submission:

Ambry Genetics
Classification: Uncertain significance for Inborn genetic diseases. Last evaluated: 2024-08-18. Review status: criteria provided, single submitter. Criteria: Ambry Variant Classification Scheme 2023. Collection method: clinical testing. Allele origin: germline.
Comment: The p.D520G variant (also known as c.1559A>G), located in coding exon 12 of the EPAS1 gene, results from an A to G substitution at nucleotide position 1559. The aspartic acid at codon 520 is replaced by glycine, an amino acid with similar properties. This amino acid position is conserved. In addition, this alteration is predicted to be deleterious by in silico analysis. Based on the available evidence, the clinical significance of this variant remains unclear.